The following is an entry in ClinVar:

ClinVar aggregate classification (germline): Uncertain significance (1 of 4 stars; one submission).

Submission:

Ambry Genetics
Classification: Uncertain significance. Last evaluated: 2025-08-10. Review status: criteria provided, single submitter. Criteria: Ambry Variant Classification Scheme 2023. Collection method: clinical testing. Allele origin: germline.
Comment: The p.C326W variant (also known as c.978T>G), located in coding exon 2 of the EGLN1 gene, results from a T to G substitution at nucleotide position 978. The cysteine at codon 326 is replaced by tryptophan, an amino acid with highly dissimilar properties. This amino acid position is conserved. In addition, this alteration is predicted to be deleterious by in silico analysis. Based on the available evidence, the clinical significance of this variant remains unclear.

NM_022051.3(EGLN1):c.978T>G (p.Cys326Trp)

Gene: EGLN1 (egl-9 family hypoxia inducible factor 1; minus strand). Cytogenetic location: 1q42.2.
Variant type: single nucleotide variant.
Coding change: c.978T>G on transcript NM_022051.3 (MANE Select); coding-DNA position 978, T replaced by G.
Protein change: p.Cys326Trp; replaces cysteine 326 with tryptophan.
Molecular consequence: missense variant.
Genome position (GRCh38, 1-based): chr1:231,374,013, A>C on the plus strand (T>G on the coding strand, the complement: EGLN1 is on the minus strand). VCF-style: chr1-231374013-A-C. GRCh37 (hg19) VCF-style: chr1-231509759-A-C.
Other names: c.978T>G, p.Cys326Trp (NM_001377260.1, NM_001377261.1); short protein forms C326W.
Identifiers: ClinVar variation 4247397 (VCV004247397.1).
Genomic context (GRCh38, chr1:231,374,013, plus strand): 5'-AAATAAATGCTCAATTAAGTTGCATACCTTGGCATCCCAGTCTTTATTAAGATAATATAT[A>C]CATGTCACACATCTTCCATCTCCATTTGGATTATCAACATGACGTACATAACCCGTTCCA-3'
Protein context (NP_071334.1, residues 316-336): NPNGDGRCVT[Cys326Trp]IYYLNKDWDA